The following is an entry in ClinVar:

NM_014845.6(FIG4):c.2377-1G>A

Gene: FIG4 (FIG4 phosphoinositide 5-phosphatase; plus strand). Cytogenetic location: 6q21.
Variant type: single nucleotide variant.
Coding change: c.2377-1G>A on transcript NM_014845.6 (MANE Select); the canonical splice acceptor site of the intron before coding-DNA position 2377, G replaced by A.
Molecular consequence: splice acceptor variant.
Genome position (GRCh38, 1-based): chr6:109,792,581, G>A. VCF-style: chr6-109792581-G-A. GRCh37 (hg19) VCF-style: chr6-110113784-G-A.
Identifiers: ClinVar variation 3095198 (VCV003095198.1), dbSNP rs2486234022, ClinGen allele CA365217044.

ClinVar aggregate classification (germline): Uncertain significance (1 of 4 stars; one submission).

Conditions:
Inborn genetic diseases. Identifiers: MedGen C0950123, MeSH D030342.

Submission:

Ambry Genetics
Classification: Uncertain significance for Inborn genetic diseases. Last evaluated: 2023-03-13. Review status: criteria provided, single submitter. Criteria: Ambry Variant Classification Scheme 2023. Collection method: clinical testing. Allele origin: germline.
Comment: Resulting transcript is predicted to be in-frame and is not expected to trigger nonsense-mediated mRNA decay Based on insufficient or conflicting evidence, the clinical significance of this alteration remains unclear.